The following is an entry in ClinVar:

NM_031229.4(RBCK1):c.556C>G (p.Pro186Ala)

Gene: RBCK1 (RANBP2-type and C3HC4-type zinc finger containing 1; plus strand). Cytogenetic location: 20p13.
Variant type: single nucleotide variant.
Coding change: c.556C>G on transcript NM_031229.4 (MANE Select); coding-DNA position 556, C replaced by G.
Protein change: p.Pro186Ala; replaces proline 186 with alanine.
Molecular consequence: missense variant. On other transcripts: non-coding transcript variant (1).
Genome position (GRCh38, 1-based): chr20:419,442, C>G. VCF-style: chr20-419442-C-G. GRCh37 (hg19) VCF-style: chr20-400086-C-G.
Other names: c.207C>G, p.Ser69Arg (NM_001323956.2, NM_001323958.2); c.430C>G, p.Pro144Ala (NM_006462.6); short protein forms P144A, P186A, S69R.
Identifiers: ClinVar variation 1326448 (VCV001326448.3), dbSNP rs138009555, ClinGen allele CA9723121.
Genomic context (GRCh38, chr20:419,442, plus strand): 5'-GGCCCTCTGGAGCCAGGCCCCCCAAAGCCCGGGGTCCCCCAGGAACCCGGACGGGGGCAG[C>G]CAGATGCAGTGCCTGAGCCCCCACCGGTAAGCTGTCCTTGGCCTCAGTATCCTCTTCTGT-3'
Protein context (NP_112506.2, residues 176-196): GVPQEPGRGQ[Pro186Ala]DAVPEPPPVG

ClinVar aggregate classification (germline): Uncertain significance. Review status: criteria provided, multiple submitters, no conflicts (2 of 4 stars). 2 submissions from 2 submitters: Uncertain significance (2). Last evaluated 2024-09-19.

Allele frequency attached by ClinVar (database versions not stated): ExAC 0.00001; gnomAD exomes 0.00001; gnomAD 0.00009 and 0.00011; TOPMed 0.00011; ESP Exome Variant Server 0.00015.
gnomAD v4.1: 25 of 1,608,196 alleles (0.0016%); highest among the groups gnomAD compares: African/African-American, 0.032%; no homozygotes.

Submissions (2):

Blueprint Genetics
Classification: Uncertain significance. Last evaluated: 2024-09-19. Review status: criteria provided, single submitter. Criteria: ACMG Guidelines, 2015. Collection method: clinical testing. Allele origin: germline.

GeneDx
Classification: Uncertain significance. Last evaluated: 2021-04-14. Review status: criteria provided, single submitter. Criteria: GeneDx Variant Classification Process June 2021. Collection method: clinical testing. Allele origin: germline. Affected: yes.
Comment: Has not been previously published as pathogenic or benign to our knowledge; In silico analysis supports that this missense variant does not alter protein structure/function